The following is an entry in ClinVar:

ClinVar aggregate classification (germline): Uncertain significance. Review status: criteria provided, multiple submitters, no conflicts (2 of 4 stars). 2 submissions from 2 submitters: Uncertain significance (2). Last evaluated 2024-06-26.

Conditions:
Deficiency of alpha-mannosidase (MANSA). Also called: Mannosidosis, alpha-, types I and II; LYSOSOMAL ALPHA-D-MANNOSIDASE DEFICIENCY; Alpha-Mannosidosis. Identifiers: Orphanet 61, MedGen C0024748, MONDO:0009561, OMIM 248500.
Inborn genetic diseases. Identifiers: MedGen C0950123, MeSH D030342.

Allele frequency attached by ClinVar (database versions not stated): gnomAD exomes below 0.00001; gnomAD 0.00001; ExAC 0.00002; TOPMed 0.00002; ESP Exome Variant Server 0.00008; 1000 Genomes Project 30x 0.00016; 1000 Genomes Project 0.00020.
gnomAD v4.1: 7 of 1,605,416 alleles (0.00044%); highest among the groups gnomAD compares: South Asian, 0.0022%; no homozygotes.

Submissions (2):

Ambry Genetics
Classification: Uncertain significance for Inborn genetic diseases. Last evaluated: 2024-06-26. Review status: criteria provided, single submitter. Criteria: Ambry Variant Classification Scheme 2023. Collection method: clinical testing. Allele origin: germline.

Labcorp Genetics (formerly Invitae), Labcorp
Classification: Uncertain significance for Deficiency of alpha-mannosidase. Last evaluated: 2022-01-26. Review status: criteria provided, single submitter. Criteria: Invitae Variant Classification Sherloc (09022015). Collection method: clinical testing. Allele origin: germline.
Comment: This sequence change replaces arginine, which is basic and polar, with histidine, which is basic and polar, at codon 144 of the MAN2B1 protein (p.Arg144His). This variant is present in population databases (rs202245970, gnomAD 0.007%). This variant has not been reported in the literature in individuals affected with MAN2B1-related conditions. Algorithms developed to predict the effect of missense changes on protein structure and function output the following: SIFT: "Tolerated"; PolyPhen-2: "Benign"; Align-GVGD: "Class C0". The histidine amino acid residue is found in multiple mammalian species, which suggests that this missense change does not adversely affect protein function. In summary, the available evidence is currently insufficient to determine the role of this variant in disease. Therefore, it has been classified as a Variant of Uncertain Significance.

NM_000528.4(MAN2B1):c.431G>A (p.Arg144His)

Gene: MAN2B1 (mannosidase alpha class 2B member 1; minus strand). Cytogenetic location: 19p13.13.
Variant type: single nucleotide variant.
Coding change: c.431G>A on transcript NM_000528.4 (MANE Select); coding-DNA position 431, G replaced by A.
Protein change: p.Arg144His; replaces arginine 144 with histidine.
Molecular consequence: missense variant.
Genome position (GRCh38, 1-based): chr19:12,665,357, C>T on the plus strand (G>A on the coding strand, the complement: MAN2B1 is on the minus strand). VCF-style: chr19-12665357-C-T. GRCh37 (hg19) VCF-style: chr19-12776171-C-T.
Other names: c.431G>A, p.Arg144His (NM_001173498.2); c.431G>A (NM_000528.3); short protein forms R144H.
Identifiers: ClinVar variation 2155114 (VCV002155114.2), dbSNP rs202245970, ClinGen allele CA9226816.